The following is an entry in ClinVar:

ClinVar aggregate classification (germline): Benign/Likely benign. Review status: criteria provided, multiple submitters, no conflicts (2 of 4 stars). 7 submissions from 7 submitters: Benign (3); Likely benign (4). Last evaluated 2025-12-16.

Conditions:
Autosomal dominant limb-girdle muscular dystrophy type 1D (DNAJB6) (LGMDD1). Also called: MUSCULAR DYSTROPHY, LIMB-GIRDLE, TYPE 1D; MUSCULAR DYSTROPHY, AUTOSOMAL DOMINANT, WITH RIMMED VACUOLES; Autosomal dominant limb-girdle muscular dystrophy type 1D; Muscular dystrophy, limb-girdle, autosomal dominant 1. Identifiers: Orphanet 34516, MedGen C4721885, MONDO:0021018, OMIM 603511.

Allele frequency attached by ClinVar (database versions not stated): ESP Exome Variant Server 0.00025; gnomAD 0.00025 and 0.00026; gnomAD exomes 0.00029 and 0.00082; TOPMed 0.00041; ExAC 0.00179.

Submissions (7):

Labcorp Genetics (formerly Invitae), Labcorp
Classification: Benign for Autosomal dominant limb-girdle muscular dystrophy type 1D (DNAJB6). Last evaluated: 2025-12-16. Review status: criteria provided, single submitter. Criteria: Invitae Variant Classification Sherloc (09022015). Collection method: clinical testing. Allele origin: germline.

Mayo Clinic Laboratories, Mayo Clinic
Classification: Likely benign. Last evaluated: 2025-07-18. Review status: criteria provided, single submitter. Criteria: ACMG Guidelines, 2015. Collection method: clinical testing. Allele origin: germline. Observed: 1 variant allele.
Comment: BS1, BP4_moderate

Blueprint Genetics
Classification: Likely benign. Last evaluated: 2024-07-10. Review status: criteria provided, single submitter. Criteria: ACMG Guidelines, 2015. Collection method: clinical testing. Allele origin: germline.

Athena Diagnostics
Classification: Benign. Last evaluated: 2024-05-22. Review status: criteria provided, single submitter. Criteria: Athena Diagnostics Criteria. Collection method: clinical testing. Allele origin: unknown.

Eurofins Ntd Llc (ga)
Classification: Likely benign. Last evaluated: 2018-07-16. Review status: criteria provided, single submitter. Criteria: EGL ClinVar v180209 classification definitions. Collection method: clinical testing. Allele origin: germline. Observed: 2 variant alleles, 2 heterozygotes.

Illumina Laboratory Services, Illumina
Classification: Benign for Autosomal dominant limb-girdle muscular dystrophy type 1D (DNAJB6). Last evaluated: 2018-01-13. Review status: criteria provided, single submitter. Criteria: ICSL Variant Classification Criteria 13 December 2019. Collection method: clinical testing. Allele origin: germline.
Comment: This variant was observed in the ICSL laboratory as part of a predisposition screen in an ostensibly healthy population. It had not been previously curated by ICSL or reported in the Human Gene Mutation Database (HGMD: prior to June 1st, 2018), and was therefore a candidate for classification through an automated scoring system. Utilizing variant allele frequency, disease prevalence and penetrance estimates, and inheritance mode, an automated score was calculated to assess if this variant is too frequent to cause the disease. Based on the score and internal cut-off values, a variant classified as benign is not then subjected to further curation. The score for this variant resulted in a classification of benign for this disease.

Breakthrough Genomics
Classification: Likely benign. Review status: criteria provided, single submitter. Criteria: ACMG Guidelines, 2015. Collection method: not provided. Allele origin: germline. Inheritance: Autosomal dominant inheritance. Affected: yes.

NM_058246.4(DNAJB6):c.860G>A (p.Arg287Gln)

Gene: DNAJB6 (DnaJ heat shock protein family (Hsp40) member B6; plus strand). Cytogenetic location: 7q36.3.
Variant type: single nucleotide variant.
Coding change: c.860G>A on transcript NM_058246.4 (MANE Select); coding-DNA position 860, G replaced by A.
Protein change: p.Arg287Gln; replaces arginine 287 with glutamine.
Molecular consequence: missense variant.
Genome position (GRCh38, 1-based): chr7:157,409,963, G>A. VCF-style: chr7-157409963-G-A. GRCh37 (hg19) VCF-style: chr7-157202657-G-A.
Other names: p.Arg287Gln; c.515G>A, p.Arg172Gln (NM_001363676.1); short protein forms R287Q, R172Q.
Identifiers: ClinVar variation 286460 (VCV000286460.25), dbSNP rs368078459, ClinGen allele CA4590654.